The following is an entry in ClinVar:

ClinVar aggregate classification (germline): Likely pathogenic. Review status: criteria provided, multiple submitters, no conflicts (2 of 4 stars). 2 submissions from 2 submitters: Likely pathogenic (2). Last evaluated 2024-11-26.

Conditions:
Cardiovascular phenotype. Identifiers: MedGen CN230736.
Autosomal recessive limb-girdle muscular dystrophy type 2J (LGMDR10). Also called: MUSCULAR DYSTROPHY, LIMB-GIRDLE, AUTOSOMAL RECESSIVE 10; Limb-girdle muscular dystrophy, type 2J. Identifiers: Orphanet 140922, MedGen C1837342, MONDO:0012127, OMIM 608807.
Dilated cardiomyopathy 1G (CMD1G). Identifiers: Orphanet 154, MedGen C1858763, MONDO:0011400, OMIM 604145.

Submissions (2):

Ambry Genetics
Classification: Likely pathogenic for Cardiovascular phenotype. Last evaluated: 2024-11-26. Review status: criteria provided, single submitter. Criteria: Ambry Variant Classification Scheme 2023. Collection method: clinical testing. Allele origin: germline.
Comment: The p.E4441* variant (also known as c.13321G>T), located in coding exon 46 of the TTN gene, results from a G to T substitution at nucleotide position 13321. This changes the amino acid from a glutamic acid to a stop codon within coding exon 46. This exon is located in the I-band region of the N2-B isoform of the titin protein and is constitutively expressed in TTN transcripts (percent spliced in or PSI 100%). This variant is considered to be rare based on population cohorts in the Genome Aggregation Database (gnomAD). This alteration is expected to result in loss of function by premature protein truncation or nonsense-mediated mRNA decay. While truncating variants in TTN are present in 1-3% of the general population, truncating variants in the A-band are the most common cause of dilated cardiomyopathy (DCM) (Herman DS et al. N. Engl. J. Med., 2012 Feb;366:619-28; Roberts AM et al. Sci Transl Med, 2015 Jan;7:270ra6). TTN truncating variants encoded in constitutive exons (PSI >90%) have been found to be significantly associated with DCM regardless of their position in titin (Schafer S et al. Nat. Genet., 2017 01;49:46-53). Based on the majority of available evidence to date, this variant is likely to be pathogenic.

Labcorp Genetics (formerly Invitae), Labcorp
Classification: Likely pathogenic for Dilated cardiomyopathy 1G; Autosomal recessive limb-girdle muscular dystrophy type 2J. Last evaluated: 2024-09-23. Review status: criteria provided, single submitter. Criteria: Invitae Variant Classification Sherloc (09022015). Collection method: clinical testing. Allele origin: germline.
Comment: This sequence change creates a premature translational stop signal (p.Glu13506*) in the TTN gene. While this is not anticipated to result in nonsense mediated decay, it is expected to create a truncated TTN protein. This variant is not present in population databases (gnomAD no frequency). This variant has not been reported in the literature in individuals affected with TTN-related conditions. Algorithms developed to predict the effect of sequence changes on RNA splicing suggest that this variant may disrupt the consensus splice site. This variant is located in the I band of TTN (PMID: 25589632). Truncating variants in this region have been reported in individuals affected with autosomal recessive centronuclear myopathy (PMID: 23975875, internal data). Truncating variants in this region have also been identified in individuals affected with autosomal dominant dilated cardiomyopathy and/or cardio-related conditions (PMID: 27869827, 32964742, internal data). In summary, the currently available evidence indicates that the variant is pathogenic, but additional data are needed to prove that conclusively. Therefore, this variant has been classified as Likely Pathogenic.

Literature cited by the submitters: PubMed 25589632 (cited by Labcorp Genetics (formerly Invitae), Labcorp); PubMed 23975875 (cited by Labcorp Genetics (formerly Invitae), Labcorp); PubMed 27869827 (cited by Labcorp Genetics (formerly Invitae), Labcorp); PubMed 32964742 (cited by Labcorp Genetics (formerly Invitae), Labcorp).

NM_001267550.2(TTN):c.40516G>T (p.Glu13506Ter)

Gene: TTN (titin; minus strand). Cytogenetic location: 2q31.2.
Variant type: single nucleotide variant.
Coding change: c.40516G>T on transcript NM_001267550.2 (MANE Select); coding-DNA position 40516, G replaced by T.
Protein change: p.Glu13506Ter; replaces glutamic acid 13506 with a stop codon.
Molecular consequence: nonsense.
Genome position (GRCh38, 1-based): chr2:178,642,279, C>A on the plus strand (G>T on the coding strand, the complement: TTN is on the minus strand). VCF-style: chr2-178642279-C-A. GRCh37 (hg19) VCF-style: chr2-179507006-C-A.
Other names: c.35593G>T, p.Glu11865Ter (NM_001256850.1); c.13321G>T, p.Glu4441Ter (NM_003319.4); c.32812G>T, p.Glu10938Ter (NM_133378.4); c.13696G>T, p.Glu4566Ter (NM_133432.3); c.13897G>T, p.Glu4633Ter (NM_133437.4); short protein forms E13506*, E4566*, E11865*, E10938*, E4441*, E4633*.
Identifiers: ClinVar variation 3464234 (VCV003464234.3).